The following continues an entry in ClinVar:

NM_000535.7(PMS2):c.1004A>G (p.Asn335Ser)

Gene: PMS2. ClinVar aggregate classification (germline): Conflicting classifications of pathogenicity. Uncertain significance (12); Benign (1); Likely benign (13).

Submission 32 of 32:

Department of Pathology and Laboratory Medicine, Sinai Health System
Classification: Likely benign for Malignant tumor of breast. Review status: no assertion criteria provided. Collection method: clinical testing. Allele origin: unknown. Affected: yes. Study: The Canadian Open Genetics Repository (COGR). Not counted in ClinVar's aggregate classification.
Comment: The PMS2 p.Asn335Ser variant was identified in 6 of 1000 proband chromosomes (frequency: 0.001) from individuals or families with breast, ovarian, solid tumor, and colorectal cancer (Castera 2014, Hansen 2017, Le 2017, Rummel 2017, Stafford 2017, Rossi 2017). The variant was also identified in the following databases: dbSNP (ID: rs200513014) as "With Uncertain significance allele", ClinVar (9x uncertain significance by LMM, GeneDx and 7 additional submitters, 1x likely benign by Ambry, and 1x as Benign by Invitae). The variant was identified in control databases in 78 of 276560 chromosomes at a frequency of 0.0003 increasing the likelihood this could be a low frequency benign variant (Genome Aggregation Consortium Feb 27, 2017). Of note, in the European population, the variant was found in 59 of 126526 chromosomes (freq. 0.0005). The p.Asn335 residue is conserved across mammals and other organisms, and four out of five computational analyses (PolyPhen-2, SIFT, AlignGVGD, BLOSUM, MutationTaster) suggest that the variant may impact the protein; however, this information is not predictive enough to assume pathogenicity. The variant occurs outside of the splicing consensus sequence and 3 of 5 in silico or computational prediction software programs (SpliceSiteFinder, MaxEntScan, NNSPLICE, GeneSplicer, HumanSpliceFinder) predict a greater than 10% difference in splicing. However, this information is not predictive enough to assume pathogenicity. In summary, based on the above information the clinical significance of this variant cannot be determined with certainty at this time although we would lean towards a more benign role for this variant. This variant is classified as likely benign.

Literature cited by the submitters: PubMed 28195393 (cited by 7 submitters); PubMed 31992580 (cited by 6 submitters); PubMed 24728327 (cited by 5 submitters); PubMed 24549055 (cited by 5 submitters); PubMed 24326041 (cited by Women's Health and Genetics/Laboratory Corporation of America, LabCorp); PubMed 25186627 (cited by Women's Health and Genetics/Laboratory Corporation of America, LabCorp); PubMed 27153395 (cited by 4 submitters); PubMed 28135145 (cited by Women's Health and Genetics/Laboratory Corporation of America, LabCorp and Sema4); PubMed 28050010 (cited by Women's Health and Genetics/Laboratory Corporation of America, LabCorp and Quest Diagnostics Nichols Institute San Juan Capistrano); PubMed 28503720 (cited by 3 submitters); PubMed 29945567 (cited by 3 submitters); PubMed 30306255 (cited by Women's Health and Genetics/Laboratory Corporation of America, LabCorp and Quest Diagnostics Nichols Institute San Juan Capistrano); PubMed 32658311 (cited by 4 submitters); PubMed 33471991 (cited by 3 submitters); PubMed 33850299 (cited by Women's Health and Genetics/Laboratory Corporation of America, LabCorp and Quest Diagnostics Nichols Institute San Juan Capistrano); PubMed 34284872 (cited by Women's Health and Genetics/Laboratory Corporation of America, LabCorp and Mayo Clinic Laboratories, Mayo Clinic); PubMed 33821390 (cited by 3 submitters); PubMed 34371384 (cited by Women's Health and Genetics/Laboratory Corporation of America, LabCorp and Quest Diagnostics Nichols Institute San Juan Capistrano); PubMed 32885271 (cited by Women's Health and Genetics/Laboratory Corporation of America, LabCorp and Quest Diagnostics Nichols Institute San Juan Capistrano); PubMed 32959997 (cited by 3 submitters); PubMed 39519399 (cited by Women's Health and Genetics/Laboratory Corporation of America, LabCorp); PubMed 28874130 (cited by 5 submitters); PubMed 29625052 (cited by Mayo Clinic Laboratories, Mayo Clinic); PubMed 35189042 (cited by 3 submitters); PubMed 28873162 (cited by Quest Diagnostics Nichols Institute San Juan Capistrano); PubMed 28591191 (cited by Quest Diagnostics Nichols Institute San Juan Capistrano); PubMed 28596308 (cited by Quest Diagnostics Nichols Institute San Juan Capistrano).